The following is an entry in ClinVar:

NM_138691.3(TMC1):c.236+2T>C

Gene: TMC1 (transmembrane channel like 1; plus strand). Cytogenetic location: 9q21.13.
Variant type: single nucleotide variant.
Coding change: c.236+2T>C on transcript NM_138691.3 (MANE Select); the canonical splice donor site of the intron after coding-DNA position 236, T replaced by C.
Molecular consequence: splice donor variant.
Genome position (GRCh38, 1-based): chr9:72,694,716, T>C. VCF-style: chr9-72694716-T-C. GRCh37 (hg19) VCF-style: chr9-75309632-T-C.
Identifiers: ClinVar variation 3601904 (VCV003601904.1).

ClinVar aggregate classification (germline): Pathogenic (1 of 4 stars; one submission).

Conditions:
Autosomal recessive nonsyndromic hearing loss 7. Also called: DEAFNESS, AUTOSOMAL RECESSIVE 11. Identifiers: Orphanet 90636, MedGen C1832978, MONDO:0010967, OMIM 600974.

Submission:

Institute of Rare Diseases, West China Hospital, Sichuan University
Classification: Pathogenic for Autosomal recessive nonsyndromic hearing loss 7. Last evaluated: 2025-01-09. Review status: criteria provided, single submitter. Criteria: ClinGen HL ACMG Specifications v1. Collection method: research. Allele origin: germline. Affected: yes.
Comment: PVS1;PM3_Supporting;PM2_Supporting